The following is an entry in ClinVar:

NM_032043.3(BRIP1):c.142A>G (p.Thr48Ala)

Gene: BRIP1 (BRCA1 interacting DNA helicase 1; minus strand). Cytogenetic location: 17q23.2.
Variant type: single nucleotide variant.
Coding change: c.142A>G on transcript NM_032043.3 (MANE Select); coding-DNA position 142, A replaced by G.
Protein change: p.Thr48Ala; replaces threonine 48 with alanine.
Molecular consequence: missense variant.
Genome position (GRCh38, 1-based): chr17:61,859,859, T>C on the plus strand (A>G on the coding strand, the complement: BRIP1 is on the minus strand). VCF-style: chr17-61859859-T-C. GRCh37 (hg19) VCF-style: chr17-59937220-T-C.
Other names: short protein forms T48A.
Identifiers: ClinVar variation 4783585 (VCV004783585.1).

ClinVar aggregate classification (germline): Uncertain significance (1 of 4 stars; one submission).

Conditions:
Fanconi anemia complementation group J. Also called: BRIP1-Related Fanconi Anemia. Identifiers: Orphanet 84, MedGen C1836860, MONDO:0012187, OMIM 609054.
Familial cancer of breast. Also called: Hereditary breast cancer; hereditary breast carcinoma; BREAST CANCER, FAMILIAL. Identifiers: Orphanet 227535, MedGen C0346153, MONDO:0016419, OMIM 114480. Disease mechanism: loss of function.

Submission:

Labcorp Genetics (formerly Invitae), Labcorp
Classification: Uncertain significance for Familial cancer of breast; Fanconi anemia complementation group J. Last evaluated: 2025-12-28. Review status: criteria provided, single submitter. Criteria: Invitae Variant Classification Sherloc (09022015). Collection method: clinical testing. Allele origin: germline.
Comment: This sequence change replaces threonine, which is neutral and polar, with alanine, which is neutral and non-polar, at codon 48 of the BRIP1 protein (p.Thr48Ala). This variant is not present in population databases (gnomAD no frequency). This variant has not been reported in the literature in individuals affected with BRIP1-related conditions. Invitae Evidence Modeling of protein sequence and biophysical properties (such as structural, functional, and spatial information, amino acid conservation, physicochemical variation, residue mobility, and thermodynamic stability) indicates that this missense variant is expected to disrupt BRIP1 protein function with a positive predictive value of 95%. In summary, the available evidence is currently insufficient to determine the role of this variant in disease. Therefore, it has been classified as a Variant of Uncertain Significance.